The following is an entry in ClinVar:

NM_000297.4(PKD2):c.1367_1370dup (p.Phe457fs)

Gene: PKD2 (polycystin 2, transient receptor potential cation channel; plus strand). Cytogenetic location: 4q22.1.
Variant type: Duplication.
Coding change: c.1367_1370dup on transcript NM_000297.4 (MANE Select); coding-DNA positions 1367 to 1370, 4 bases duplicated (AATT; older notation c.1367_1370dupAATT).
Protein change: p.Phe457fs; shifts the reading frame from phenylalanine 457.
Molecular consequence: frameshift variant. On other transcripts: non-coding transcript variant (1).
Genome position (GRCh38, 1-based): chr4:88,046,689-88,046,692, AATT duplicated. VCF-style (leftmost placement, unchanged base first): chr4-88046688-C-CAATT. GRCh37 (hg19) VCF-style: chr4-88967840-C-CAATT.
Other names: short protein forms F457fs.
Identifiers: ClinVar variation 3933014 (VCV003933014.1).

ClinVar aggregate classification (germline): Pathogenic (1 of 4 stars; one submission).

Conditions:
Inborn genetic diseases. Identifiers: MedGen C0950123, MeSH D030342.

Submission:

Ambry Genetics
Classification: Pathogenic for Inborn genetic diseases. Last evaluated: 2025-03-19. Review status: criteria provided, single submitter. Criteria: Ambry Variant Classification Scheme 2023. Collection method: clinical testing. Allele origin: germline.
Comment: The c.1367_1370dupAATT (p.F457Lfs*15) alteration, located in exon 6 (coding exon 6) of the PKD2 gene, consists of a duplication of AATT at position 1367, causing a translational frameshift with a predicted alternate stop codon after 15 amino acids. This alteration is expected to result in loss of function by premature protein truncation or nonsense-mediated mRNA decay. This variant was not reported in population-based cohorts in the Genome Aggregation Database (gnomAD). Based on the available evidence, this alteration is classified as pathogenic.